The following is an entry in ClinVar:

ClinVar aggregate classification (germline): Uncertain significance. Review status: criteria provided, multiple submitters, no conflicts (2 of 4 stars). 3 submissions from 3 submitters: Uncertain significance (3). Last evaluated 2022-10-08.

Conditions:
Hereditary cancer-predisposing syndrome. Also called: Tumor predisposition; Neoplastic Syndromes, Hereditary; Hereditary neoplastic syndrome; Hereditary Cancer Syndrome. Identifiers: Orphanet 140162, MedGen C0027672, MeSH D009386, MONDO:0015356.
Familial adenomatous polyposis 1 (FAP1). Also called: POLYPOSIS, ADENOMATOUS INTESTINAL; FAMILIAL ADENOMATOUS POLYPOSIS 1, ATTENUATED. Identifiers: MedGen C2713442, MONDO:0021056, OMIM 175100. Disease mechanism: loss of function.

Submissions (3):

Ambry Genetics
Classification: Uncertain significance for Hereditary cancer-predisposing syndrome. Last evaluated: 2022-10-08. Review status: criteria provided, single submitter. Criteria: Ambry Variant Classification Scheme 2023. Collection method: clinical testing. Allele origin: germline.
Comment: The p.E1889K variant (also known as c.5665G>A), located in coding exon 15 of the APC gene, results from a G to A substitution at nucleotide position 5665. The glutamic acid at codon 1889 is replaced by lysine, an amino acid with similar properties. This amino acid position is conserved. In addition, in silico predictors for this gene do not accurately predict pathogenicity. Since supporting evidence is limited at this time, the clinical significance of this alteration remains unclear.

Color Diagnostics, LLC DBA Color Health
Classification: Uncertain significance for Hereditary cancer-predisposing syndrome. Last evaluated: 2022-03-03. Review status: criteria provided, single submitter. Criteria: ACMG Guidelines, 2015. Collection method: clinical testing. Allele origin: germline.
Comment: This missense variant replaces glutamic acid with lysine at codon 1889 of the APC protein. Computational prediction suggests that this variant may not impact protein structure and function (internally defined REVEL score threshold <= 0.5, PMID: 27666373). To our knowledge, functional studies have not been reported for this variant. This variant has not been reported in individuals affected with hereditary cancer in the literature. This variant has not been identified in the general population by the Genome Aggregation Database (gnomAD). The available evidence is insufficient to determine the role of this variant in disease conclusively. Therefore, this variant is classified as a Variant of Uncertain Significance.

Labcorp Genetics (formerly Invitae), Labcorp
Classification: Uncertain significance for Familial adenomatous polyposis 1. Last evaluated: 2021-06-09. Review status: criteria provided, single submitter. Criteria: Invitae Variant Classification Sherloc (09022015). Collection method: clinical testing. Allele origin: germline.
Comment: In summary, the available evidence is currently insufficient to determine the role of this variant in disease. Therefore, it has been classified as a Variant of Uncertain Significance. Algorithms developed to predict the effect of missense changes on protein structure and function (SIFT, PolyPhen-2, Align-GVGD) all suggest that this variant is likely to be tolerated, but these predictions have not been confirmed by published functional studies and their clinical significance is uncertain. This variant has not been reported in the literature in individuals with APC-related conditions. ClinVar contains an entry for this variant (Variation ID: 630503). This variant is not present in population databases (ExAC no frequency). This sequence change replaces glutamic acid with lysine at codon 1889 of the APC protein (p.Glu1889Lys). The glutamic acid residue is moderately conserved and there is a small physicochemical difference between glutamic acid and lysine.

NM_000038.6(APC):c.5665G>A (p.Glu1889Lys)

Gene: APC (APC regulator of Wnt signaling pathway; plus strand). Cytogenetic location: 5q22.2.
Variant type: single nucleotide variant.
Coding change: c.5665G>A on transcript NM_000038.6 (MANE Select); coding-DNA position 5665, G replaced by A.
Protein change: p.Glu1889Lys; replaces glutamic acid 1889 with lysine.
Molecular consequence: missense variant.
Genome position (GRCh38, 1-based): chr5:112,841,259, G>A. VCF-style: chr5-112841259-G-A. GRCh37 (hg19) VCF-style: chr5-112176956-G-A.
Other names: c.5665G>A, p.Glu1889Lys (NM_001127510.3, NM_001354895.2); c.5611G>A, p.Glu1871Lys (NM_001127511.3); c.5719G>A, p.Glu1907Lys (NM_001354896.2); c.5695G>A, p.Glu1899Lys (NM_001354897.2); c.5590G>A, p.Glu1864Lys (NM_001354898.2); c.5581G>A, p.Glu1861Lys (NM_001354899.2); c.5542G>A, p.Glu1848Lys (NM_001354900.2); c.5488G>A, p.Glu1830Lys (NM_001354901.2); and 5 more; short protein forms E1871K, E1889K, E1606K, E1729K, E1798K, E1861K, E1864K, E1899K.
Identifiers: ClinVar variation 630503 (VCV000630503.14), dbSNP rs1561601562, ClinGen allele CA16033735.